The following is an entry in ClinVar:

ClinVar aggregate classification (germline): Likely pathogenic (1 of 4 stars; one submission).

Conditions:
Congenital disorder of glycosylation, type 2v. Identifiers: Orphanet 695783, MedGen C5561971, MONDO:0030423, OMIM 619493.

gnomAD v4.1: 8 of 1,582,868 alleles (0.00051%); highest among the groups gnomAD compares: Admixed American, 0.0018%; no homozygotes.

Submission:

Diagnostics Services (NGS), CSIR - Centre For Cellular And Molecular Biology
Classification: Likely pathogenic for Congenital disorder of glycosylation, type 2v. Last evaluated: 2025-02-19. Review status: criteria provided, single submitter. Criteria: ACMG Guidelines, 2015. Collection method: clinical testing. Allele origin: germline. Affected: yes. Observed: 1 variant allele, 1 homozygote.
Comment: The c.793C>T variant is not present in publicly available population databases like 1000 Genomes, EVS, gnomAD, Indian Exome Database or our internal database. The variant has neither been reported in the literature in individuals affected with EDEM3-related conditions nor reported to the clinical databases like Human Genome Mutation Database (HGMD), ClinVar or OMIM in any affected individuals. In-silico pathogenicity prediction programs like MutationTaster2021, CADD, Franklin, Varsome etc predicted this variant to be likely deleterious. This variant creates a premature translational stop signal at the 265th amino acid position of the wild-type transcript that may either result in translation of a truncated protein or cause nonsense mediated decay of the mRNA.

NM_025191.4(EDEM3):c.793C>T (p.Arg265Ter)

Gene: EDEM3 (ER degradation enhancing alpha-mannosidase like protein 3; minus strand). Cytogenetic location: 1q25.3.
Variant type: single nucleotide variant.
Coding change: c.793C>T on transcript NM_025191.4 (MANE Select); coding-DNA position 793, C replaced by T.
Protein change: p.Arg265Ter; replaces arginine 265 with a stop codon.
Molecular consequence: nonsense. On other transcripts: non-coding transcript variant (1).
Genome position (GRCh38, 1-based): chr1:184,723,811, G>A on the plus strand (C>T on the coding strand, the complement: EDEM3 is on the minus strand). VCF-style: chr1-184723811-G-A. GRCh37 (hg19) VCF-style: chr1-184692945-G-A.
Other names: c.793C>T, p.Arg265Ter (NM_001319960.2); short protein forms R265*.
Identifiers: ClinVar variation 3767979 (VCV003767979.1).